The following is an entry in ClinVar:

ClinVar aggregate classification (germline): Uncertain significance (1 of 4 stars; one submission).

Submission:

Labcorp Genetics (formerly Invitae), Labcorp
Classification: Uncertain significance. Last evaluated: 2024-10-22. Review status: criteria provided, single submitter. Criteria: Invitae Variant Classification Sherloc (09022015). Collection method: clinical testing. Allele origin: germline.
Comment: This sequence change replaces aspartic acid, which is acidic and polar, with histidine, which is basic and polar, at codon 183 of the AARS2 protein (p.Asp183His). This variant is not present in population databases (gnomAD no frequency). This variant has not been reported in the literature in individuals affected with AARS2-related conditions. ClinVar contains an entry for this variant (Variation ID: 2033950). Invitae Evidence Modeling of protein sequence and biophysical properties (such as structural, functional, and spatial information, amino acid conservation, physicochemical variation, residue mobility, and thermodynamic stability) indicates that this missense variant is expected to disrupt AARS2 protein function with a positive predictive value of 95%. In summary, the available evidence is currently insufficient to determine the role of this variant in disease. Therefore, it has been classified as a Variant of Uncertain Significance.

NM_020745.4(AARS2):c.547G>C (p.Asp183His)

Gene: AARS2 (alanyl-tRNA synthetase 2, mitochondrial; minus strand). Cytogenetic location: 6p21.1.
Variant type: single nucleotide variant.
Coding change: c.547G>C on transcript NM_020745.4 (MANE Select); coding-DNA position 547, G replaced by C.
Protein change: p.Asp183His; replaces aspartic acid 183 with histidine.
Molecular consequence: missense variant.
Genome position (GRCh38, 1-based): chr6:44,311,424, C>G on the plus strand (G>C on the coding strand, the complement: AARS2 is on the minus strand). VCF-style: chr6-44311424-C-G. GRCh37 (hg19) VCF-style: chr6-44279161-C-G.
Other names: short protein forms D183H.
Identifiers: ClinVar variation 2033950 (VCV002033950.4), dbSNP rs2534720371, ClinGen allele CA364341200.